The following is an entry in ClinVar:

NM_007194.4(CHEK2):c.976C>G (p.Leu326Val)

Gene: CHEK2 (checkpoint kinase 2; minus strand). Cytogenetic location: 22q12.1.
Variant type: single nucleotide variant.
Coding change: c.976C>G on transcript NM_007194.4 (MANE Select); coding-DNA position 976, C replaced by G.
Protein change: p.Leu326Val; replaces leucine 326 with valine.
Molecular consequence: missense variant.
Genome position (GRCh38, 1-based): chr22:28,699,870, G>C on the plus strand (C>G on the coding strand, the complement: CHEK2 is on the minus strand). VCF-style: chr22-28699870-G-C. GRCh37 (hg19) VCF-style: chr22-29095858-G-C.
Other names: c.1105C>G, p.Leu369Val (NM_001005735.3); c.313C>G, p.Leu105Val (NM_001257387.3); c.775C>G, p.Leu259Val (NM_001349956.3); c.976C>G, p.Leu326Val (NM_145862.3); short protein forms L105V, L369V, L259V, L326V.
Identifiers: ClinVar variation 1039876 (VCV001039876.9), dbSNP rs2052760821, ClinGen allele CA411099637.

ClinVar aggregate classification (germline): Uncertain significance (1 of 4 stars; one submission).

Conditions:
Familial cancer of breast. Also called: hereditary breast carcinoma; Hereditary breast cancer; BREAST CANCER, FAMILIAL. Identifiers: Orphanet 227535, MedGen C0346153, MONDO:0016419, OMIM 114480. Disease mechanism: loss of function.

Submission:

Labcorp Genetics (formerly Invitae), Labcorp
Classification: Uncertain significance for Familial cancer of breast. Last evaluated: 2021-01-28. Review status: criteria provided, single submitter. Criteria: Invitae Variant Classification Sherloc (09022015). Collection method: clinical testing. Allele origin: germline.
Comment: In summary, the available evidence is currently insufficient to determine the role of this variant in disease. Therefore, it has been classified as a Variant of Uncertain Significance. Algorithms developed to predict the effect of sequence changes on RNA splicing suggest that this variant may create or strengthen a splice site, but this prediction has not been confirmed by published transcriptional studies. Algorithms developed to predict the effect of missense changes on protein structure and function are either unavailable or do not agree on the potential impact of this missense change (SIFT: "Deleterious"; PolyPhen-2: "Possibly Damaging"; Align-GVGD: "Class C0"). This variant has not been reported in the literature in individuals with CHEK2-related conditions. This variant is not present in population databases (ExAC no frequency). This sequence change replaces leucine with valine at codon 326 of the CHEK2 protein (p.Leu326Val). The leucine residue is highly conserved and there is a small physicochemical difference between leucine and valine.